The following is an entry in ClinVar:

ClinVar aggregate classification (germline): Conflicting classifications of pathogenicity. Review status: criteria provided, conflicting classifications (1 of 4 stars). 2 submissions from 2 submitters: Uncertain significance (1); Likely benign (1). Last evaluated 2025-08-03.

Allele frequency attached by ClinVar (database versions not stated): gnomAD exomes 0.00001; ExAC 0.00003; ESP Exome Variant Server 0.00008; gnomAD 0.00014; TOPMed 0.00017; 1000 Genomes Project 0.00040; 1000 Genomes Project 30x 0.00047.
gnomAD v4.1: 39 of 1,614,084 alleles (0.0024%); highest among the groups gnomAD compares: African/African-American, 0.032%; no homozygotes.

Submissions (2):

Ambry Genetics
Classification: Likely benign. Last evaluated: 2025-08-03. Review status: criteria provided, single submitter. Criteria: Ambry Variant Classification Scheme 2023. Collection method: clinical testing. Allele origin: germline.

Labcorp Genetics (formerly Invitae), Labcorp
Classification: Uncertain significance. Last evaluated: 2025-01-11. Review status: criteria provided, single submitter. Criteria: Invitae Variant Classification Sherloc (09022015). Collection method: clinical testing. Allele origin: germline.
Comment: This sequence change replaces arginine, which is basic and polar, with histidine, which is basic and polar, at codon 99 of the GPR45 protein (p.Arg99His). This variant is present in population databases (rs200554082, gnomAD 0.03%). This variant has not been reported in the literature in individuals affected with GPR45-related conditions. ClinVar contains an entry for this variant (Variation ID: 2154181). An algorithm developed to predict the effect of missense changes on protein structure and function outputs the following: PolyPhen-2: "Benign". The histidine amino acid residue is found in multiple mammalian species, which suggests that this missense change does not adversely affect protein function. In summary, the available evidence is currently insufficient to determine the role of this variant in disease. Therefore, it has been classified as a Variant of Uncertain Significance.

NM_007227.3(GPR45):c.296G>A (p.Arg99His)

Gene: GPR45 (G protein-coupled receptor 45; plus strand). Cytogenetic location: 2q12.1.
Variant type: single nucleotide variant.
Coding change: c.296G>A on transcript NM_007227.3 (MANE Select); coding-DNA position 296, G replaced by A.
Protein change: p.Arg99His; replaces arginine 99 with histidine.
Molecular consequence: missense variant.
Genome position (GRCh38, 1-based): chr2:105,242,154, G>A. VCF-style: chr2-105242154-G-A. GRCh37 (hg19) VCF-style: chr2-105858611-G-A.
Other names: short protein forms R99H.
Identifiers: ClinVar variation 2154181 (VCV002154181.5), dbSNP rs200554082, ClinGen allele CA1813552.